The following is an entry in ClinVar:

NM_001267550.2(TTN):c.70162C>G (p.Arg23388Gly)

Genes: TTN (titin; minus strand), TTN-AS1 (TTN antisense RNA 1; plus strand), LOC126806422 (BRD4-independent group 4 enhancer GRCh37_chr2:179440205-179441404; plus strand). Cytogenetic location: 2q31.2.
Variant type: single nucleotide variant.
Coding change: c.70162C>G on transcript NM_001267550.2 (MANE Select); coding-DNA position 70162, C replaced by G.
Protein change: p.Arg23388Gly; replaces arginine 23388 with glycine.
Molecular consequence: missense variant.
Genome position (GRCh38, 1-based): chr2:178,575,970, G>C on the plus strand (C>G on the coding strand, the complement: TTN is on the minus strand). VCF-style: chr2-178575970-G-C. GRCh37 (hg19) VCF-style: chr2-179440697-G-C.
Other names: c.65239C>G, p.Arg21747Gly (NM_001256850.1); c.42967C>G, p.Arg14323Gly (NM_003319.4); c.62458C>G, p.Arg20820Gly (NM_133378.4); c.43342C>G, p.Arg14448Gly (NM_133432.3); c.43543C>G, p.Arg14515Gly (NM_133437.4); short protein forms R14323G, R14448G, R14515G, R20820G, R21747G, R23388G.
Identifiers: ClinVar variation 4082919 (VCV004082919.1).
Genomic context (GRCh38, chr2:178,575,970, plus strand): 5'-ATCTGTTACATTCTGGGATAATCAGAAGAGTAAATGATTCCGTATTTTCAATGTTGGCTC[G>C]GTTTTTCAGGTTGATGTTATCTTTGGTCCATGTCACTTCAGGAGCAGGACGACCTTTAAT-3'
Protein context (NP_001254479.2, residues 23378-23398): WTKDNINLKN[Arg23388Gly]ANIENTESFT

ClinVar aggregate classification (germline): Uncertain significance (1 of 4 stars; one submission).

gnomAD v4.1: 10 of 1,611,128 alleles (0.00062%); highest among the groups gnomAD compares: Middle Eastern, 0.016%; no homozygotes.

Submission:

GeneDx
Classification: Uncertain significance. Last evaluated: 2025-03-07. Review status: criteria provided, single submitter. Criteria: GeneDx Variant Classification Process June 2021. Collection method: clinical testing. Allele origin: germline. Affected: yes.
Comment: Not observed at significant frequency in large population cohorts (gnomAD); Missense variant in a gene in which most reported pathogenic variants are truncating/loss of function; Has not been previously published as pathogenic or benign to our knowledge